The following is an entry in ClinVar:

ClinVar aggregate classification (germline): Uncertain significance (1 of 4 stars; one submission).

Conditions:
Dilated cardiomyopathy 1G (CMD1G). Identifiers: Orphanet 154, MedGen C1858763, MONDO:0011400, OMIM 604145.
Autosomal recessive limb-girdle muscular dystrophy type 2J (LGMDR10). Also called: Limb-girdle muscular dystrophy, type 2J; MUSCULAR DYSTROPHY, LIMB-GIRDLE, AUTOSOMAL RECESSIVE 10. Identifiers: Orphanet 140922, MedGen C1837342, MONDO:0012127, OMIM 608807.

Allele frequency attached by ClinVar (database versions not stated): gnomAD exomes below 0.00001; gnomAD 0.00001.
gnomAD v4.1: 6 of 1,518,672 alleles (0.0004%); highest among the groups gnomAD compares: South Asian, 0.0013%; no homozygotes.

Submission:

Labcorp Genetics (formerly Invitae), Labcorp
Classification: Uncertain significance for Dilated cardiomyopathy 1G; Autosomal recessive limb-girdle muscular dystrophy type 2J. Last evaluated: 2023-10-16. Review status: criteria provided, single submitter. Criteria: Invitae Variant Classification Sherloc (09022015). Collection method: clinical testing. Allele origin: germline.
Comment: This sequence change replaces threonine, which is neutral and polar, with lysine, which is basic and polar, at codon 35522 of the TTN protein (p.Thr35522Lys). This variant is not present in population databases (gnomAD no frequency). This variant has not been reported in the literature in individuals affected with TTN-related conditions. Experimental studies and prediction algorithms are not available or were not evaluated, and the functional significance of this variant is currently unknown. This variant is located in the M band of TTN (PMID: 25589632). Variants in this region may be relevant for neuromuscular disorders, but have not been definitively shown to cause cardiomyopathy (PMID: 23975875). In summary, the available evidence is currently insufficient to determine the role of this variant in disease. Therefore, it has been classified as a Variant of Uncertain Significance.

Literature cited by the submitters: PubMed 25589632; PubMed 23975875.

NM_001267550.2(TTN):c.106565C>A (p.Thr35522Lys)

Genes: TTN (titin; minus strand), TTN-AS1 (TTN antisense RNA 1; plus strand). Cytogenetic location: 2q31.2.
Variant type: single nucleotide variant.
Coding change: c.106565C>A on transcript NM_001267550.2 (MANE Select); coding-DNA position 106565, C replaced by A.
Protein change: p.Thr35522Lys; replaces threonine 35522 with lysine.
Molecular consequence: missense variant.
Genome position (GRCh38, 1-based): chr2:178,529,186, G>T on the plus strand (C>A on the coding strand, the complement: TTN is on the minus strand). VCF-style: chr2-178529186-G-T. GRCh37 (hg19) VCF-style: chr2-179393913-G-T.
Other names: c.101642C>A, p.Thr33881Lys (NM_001256850.1); c.79370C>A, p.Thr26457Lys (NM_003319.4); c.98861C>A, p.Thr32954Lys (NM_133378.4); c.79745C>A, p.Thr26582Lys (NM_133432.3); c.79946C>A, p.Thr26649Lys (NM_133437.4); short protein forms T26457K, T26649K, T26582K, T32954K, T33881K, T35522K.
Identifiers: ClinVar variation 2939450 (VCV002939450.3), dbSNP rs1687881462, ClinGen allele CA349404361.